The following is an entry in ClinVar:

ClinVar aggregate classification (germline): Uncertain significance (1 of 4 stars; one submission).

Submission:

CeGaT Center for Human Genetics Tuebingen
Classification: Uncertain significance. Last evaluated: 2025-05-01. Review status: criteria provided, single submitter. Criteria: CeGaT Center For Human Genetics Tuebingen Variant Classification Criteria Version 2. Collection method: clinical testing. Allele origin: germline. Affected: yes. Observed: 1 variant allele.
Comment: LTK: PM2, BP4

NM_002344.6(LTK):c.1131G>C (p.Arg377Ser)

Gene: LTK (leukocyte receptor tyrosine kinase; minus strand). Cytogenetic location: 15q15.1.
Variant type: single nucleotide variant.
Coding change: c.1131G>C on transcript NM_002344.6 (MANE Select); coding-DNA position 1131, G replaced by C.
Protein change: p.Arg377Ser; replaces arginine 377 with serine.
Molecular consequence: missense variant.
Genome position (GRCh38, 1-based): chr15:41,508,187, C>G on the plus strand (G>C on the coding strand, the complement: LTK is on the minus strand). VCF-style: chr15-41508187-C-G. GRCh37 (hg19) VCF-style: chr15-41800385-C-G.
Other names: c.948G>C, p.Arg316Ser (NM_001135685.2, NM_206961.4); short protein forms R316S, R377S.
Identifiers: ClinVar variation 3905979 (VCV003905979.10).